The following is an entry in ClinVar:

NM_001258392.3(CLPB):c.1972A>G (p.Lys658Glu)

Gene: CLPB (ClpB family mitochondrial disaggregase; minus strand). Cytogenetic location: 11q13.4.
Variant type: single nucleotide variant.
Coding change: c.1972A>G on transcript NM_001258392.3 (MANE Select); coding-DNA position 1972, A replaced by G.
Protein change: p.Lys658Glu; replaces lysine 658 with glutamic acid.
Molecular consequence: missense variant.
Genome position (GRCh38, 1-based): chr11:72,293,429, T>C on the plus strand (A>G on the coding strand, the complement: CLPB is on the minus strand). VCF-style: chr11-72293429-T-C. GRCh37 (hg19) VCF-style: chr11-72004473-T-C.
Other names: c.1885A>G, p.Lys629Glu (NM_001258393.3); c.1927A>G, p.Lys643Glu (NM_001258394.3); c.2062A>G, p.Lys688Glu (NM_030813.6); short protein forms K643E, K658E, K688E, K629E.
Identifiers: ClinVar variation 2744566 (VCV002744566.3), dbSNP rs2539312775, ClinGen allele CA381723105.

ClinVar aggregate classification (germline): Uncertain significance (1 of 4 stars; one submission).

Conditions:
3-methylglutaconic aciduria, type VIIB (MGCA7B). Also called: CLPB Deficiency; 3-methylglutaconic aciduria, type VII, with cataracts, neurologic involvement and neutropenia; 3-methylglutaconic aciduria with cataracts, neurologic involvement and neutropenia. Identifiers: Orphanet 445038, MedGen C5676893, MONDO:0014561, OMIM 616271.

Submission:

Labcorp Genetics (formerly Invitae), Labcorp
Classification: Uncertain significance for 3-methylglutaconic aciduria, type VIIB. Last evaluated: 2023-12-23. Review status: criteria provided, single submitter. Criteria: Invitae Variant Classification Sherloc (09022015). Collection method: clinical testing. Allele origin: germline.
Comment: This sequence change replaces lysine, which is basic and polar, with glutamic acid, which is acidic and polar, at codon 688 of the CLPB protein (p.Lys688Glu). This variant is not present in population databases (gnomAD no frequency). This variant has not been reported in the literature in individuals affected with CLPB-related conditions. An algorithm developed to predict the effect of missense changes on protein structure and function (PolyPhen-2) suggests that this variant is likely to be tolerated. In summary, the available evidence is currently insufficient to determine the role of this variant in disease. Therefore, it has been classified as a Variant of Uncertain Significance.